The following is an entry in ClinVar:

NM_001112741.2(KCNC1):c.1293C>G (p.Pro431=)

Gene: KCNC1 (potassium voltage-gated channel subfamily C member 1; plus strand). Cytogenetic location: 11p15.1.
Variant type: single nucleotide variant.
Coding change: c.1293C>G on transcript NM_001112741.2 (MANE Select); coding-DNA position 1293, C replaced by G.
Protein change: p.Pro431=; no amino-acid change (proline 431 retained).
Molecular consequence: synonymous variant.
Genome position (GRCh38, 1-based): chr11:17,772,387, C>G. VCF-style: chr11-17772387-C-G. GRCh37 (hg19) VCF-style: chr11-17793934-C-G.
Other names: c.1293C>G (NM_001112741.1); c.1293C>G, p.Pro431= (NM_004976.4).
Identifiers: ClinVar variation 1550406 (VCV001550406.10), dbSNP rs577711585, ClinGen allele CA5906796.

ClinVar aggregate classification (germline): Benign. Review status: criteria provided, single submitter (1 of 4 stars). 2 submissions from 2 submitters: Benign (1). 1 of the submissions does not count toward it. Last evaluated 2025-11-09.

Conditions:
Progressive myoclonic epilepsy type 7. Identifiers: Orphanet 435438, MedGen C4015420, MONDO:0014521, OMIM 616187.
KCNC1-related disorder. Also called: KCNC1-related condition; KCNC1-Related Disorders. Identifiers: MedGen CN381541.

Allele frequency attached by ClinVar (database versions not stated): gnomAD 0.00005; 1000 Genomes Project 30x 0.00062; 1000 Genomes Project 0.00080.
gnomAD v4.1: 95 of 1,614,168 alleles (0.0059%); highest among the groups gnomAD compares: South Asian, 0.1%; 1 homozygote.

Submissions (2):

Labcorp Genetics (formerly Invitae), Labcorp
Classification: Benign for Progressive myoclonic epilepsy type 7. Last evaluated: 2025-11-09. Review status: criteria provided, single submitter. Criteria: Invitae Variant Classification Sherloc (09022015). Collection method: clinical testing. Allele origin: germline.

PreventionGenetics, part of Exact Sciences
Classification: Likely benign for KCNC1-related condition. Last evaluated: 2019-05-28. Review status: no assertion criteria provided. Collection method: clinical testing. Allele origin: germline. Not counted in ClinVar's aggregate classification.
Comment: This variant is classified as likely benign based on ACMG/AMP sequence variant interpretation guidelines (Richards et al. 2015 PMID: 25741868, with internal and published modifications).